The following is an entry in ClinVar:

ClinVar aggregate classification (germline): Uncertain significance. Review status: criteria provided, multiple submitters, no conflicts (2 of 4 stars). 2 submissions from 2 submitters: Uncertain significance (2). Last evaluated 2025-02-12.

Conditions:
Inborn genetic diseases. Identifiers: MedGen C0950123, MeSH D030342.

gnomAD v4.1: 3 of 1,613,408 alleles (0.00019%); highest among the groups gnomAD compares: African/African-American, 0.0027%; no homozygotes.

Submissions (2):

Labcorp Genetics (formerly Invitae), Labcorp
Classification: Uncertain significance. Last evaluated: 2025-02-12. Review status: criteria provided, single submitter. Criteria: Invitae Variant Classification Sherloc (09022015). Collection method: clinical testing. Allele origin: germline.
Comment: This sequence change replaces arginine, which is basic and polar, with proline, which is neutral and non-polar, at codon 1585 of the RAI1 protein (p.Arg1585Pro). This variant is not present in population databases (gnomAD no frequency). This variant has not been reported in the literature in individuals affected with RAI1-related conditions. ClinVar contains an entry for this variant (Variation ID: 2339059). Invitae Evidence Modeling of protein sequence and biophysical properties (such as structural, functional, and spatial information, amino acid conservation, physicochemical variation, residue mobility, and thermodynamic stability) indicates that this missense variant is not expected to disrupt RAI1 protein function with a negative predictive value of 80%. In summary, the available evidence is currently insufficient to determine the role of this variant in disease. Therefore, it has been classified as a Variant of Uncertain Significance.

Ambry Genetics
Classification: Uncertain significance for Inborn genetic diseases. Last evaluated: 2025-01-13. Review status: criteria provided, single submitter. Criteria: Ambry Variant Classification Scheme 2023. Collection method: clinical testing. Allele origin: germline.

NM_030665.4(RAI1):c.4754G>C (p.Arg1585Pro)

Gene: RAI1 (retinoic acid induced 1; plus strand). Cytogenetic location: 17p11.2.
Variant type: single nucleotide variant.
Coding change: c.4754G>C on transcript NM_030665.4 (MANE Select); coding-DNA position 4754, G replaced by C.
Protein change: p.Arg1585Pro; replaces arginine 1585 with proline.
Molecular consequence: missense variant.
Genome position (GRCh38, 1-based): chr17:17,797,702, G>C. VCF-style: chr17-17797702-G-C. GRCh37 (hg19) VCF-style: chr17-17701016-G-C.
Other names: short protein forms R1585P.
Identifiers: ClinVar variation 2339059 (VCV002339059.4), dbSNP rs376652163, ClinGen allele CA398557420.
Genomic context (GRCh38, chr17:17,797,702, plus strand): 5'-TGCTGCCCCTGGATCCCGCAGAGCCTGAAATCCGCCTCAAGTACATTTCCTCTTGCAAGC[G>C]GCTGAGGTCAGACAGCCGGACCCCCGCCTTCTCACCCTTCGTGCGGGTGGAGAAGCGAGA-3'
Protein context (NP_109590.3, residues 1575-1595): IRLKYISSCK[Arg1585Pro]LRSDSRTPAF